The following is an entry in ClinVar:

NM_144666.3(DNHD1):c.8910C>A (p.Tyr2970Ter)

Gene: DNHD1 (dynein heavy chain domain 1; plus strand). Cytogenetic location: 11p15.4.
Variant type: single nucleotide variant.
Coding change: c.8910C>A on transcript NM_144666.3 (MANE Select); coding-DNA position 8910, C replaced by A.
Protein change: p.Tyr2970Ter; replaces tyrosine 2970 with a stop codon.
Molecular consequence: nonsense.
Genome position (GRCh38, 1-based): chr11:6,558,205, C>A. VCF-style: chr11-6558205-C-A. GRCh37 (hg19) VCF-style: chr11-6579435-C-A.
Other names: short protein forms Y2970*.
Identifiers: ClinVar variation 4986260 (VCV004986260.1).
Genomic context (GRCh38, chr11:6,558,205, plus strand): 5'-TCTCACTACACTTCATCGCCTCCTGGCCCTGGCAACCTCAGGCAGTTTCCCTGGCCAGTA[C>A]ACAGAAGCAGATTTGGACCGCATTGGAGAACACCTCCCCAGGGAGAACCTTGGTGTCAAA-3'

ClinVar aggregate classification (germline): Likely pathogenic (1 of 4 stars; one submission).

Conditions:
DNHD1-related disorder. Also called: DNHD1-related condition.

gnomAD v4.1: 4 of 1,551,606 alleles (0.00026%); highest among the groups gnomAD compares: Non-Finnish European, 0.00035%; no homozygotes.

Submission:

PreventionGenetics, part of Exact Sciences
Classification: Likely pathogenic for DNHD1-related condition. Last evaluated: 2025-10-27. Review status: criteria provided, single submitter. Criteria: ACMG Guidelines, 2015. Collection method: clinical testing. Allele origin: germline.
Comment: The DNHD1 c.8910C>A variant is predicted to result in premature protein termination (p.Tyr2970*). To our knowledge, this variant has not been reported in the literature or in a large population database (gnomAD), indicating this variant is rare. Nonsense variants in DNHD1 are expected to be pathogenic. This variant is interpreted as likely pathogenic.